The following is an entry in ClinVar:

NM_000169.3(GLA):c.137A>T (p.His46Leu)

Genes: GLA (galactosidase alpha; minus strand), RPL36A-HNRNPH2 (RPL36A-HNRNPH2 readthrough; plus strand). Cytogenetic location: Xq22.1.
Variant type: single nucleotide variant.
Coding change: c.137A>T on transcript NM_000169.3 (MANE Select); coding-DNA position 137, A replaced by T.
Protein change: p.His46Leu; replaces histidine 46 with leucine.
Molecular consequence: missense variant. On other transcripts: non-coding transcript variant (3), intron variant (2).
Genome position (GRCh38, 1-based): chrX:101,407,767, T>A on the plus strand (A>T on the coding strand, the complement: GLA is on the minus strand). VCF-style: chrX-101407767-T-A. GRCh37 (hg19) VCF-style: chrX-100662755-T-A.
Other names: c.137A>T, p.His46Leu (NM_001406747.1, NM_001406748.1, NM_001406749.1); c.301-4169T>A (NM_001199973.2); c.178-4169T>A (NM_001199974.2).
Identifiers: ClinVar variation 92543 (VCV000092543.7), dbSNP rs398123203, ClinGen allele CA021538.

ClinVar aggregate classification (germline): Pathogenic. Review status: criteria provided, multiple submitters, no conflicts (2 of 4 stars). 2 submissions from 2 submitters: Pathogenic (2). Last evaluated 2026-09-08.

Conditions:
Fabry disease. Also called: Ceramide trihexosidosis; Fabry's disease; HEREDITARY DYSTOPIC LIPIDOSIS; Angiokeratoma corporis diffusum; ALPHA-GALACTOSIDASE A DEFICIENCY; ANDERSON-FABRY DISEASE. Identifiers: Orphanet 324, MedGen C0002986, MONDO:0010526, OMIM 301500, HP:0001071. Disease mechanism: Fabry disease is due to inactivating mutations in the X-linked GLA gene resulting in deficiency of the enzyme Alpha Galactosidase-A., loss of function.

Submissions (2):

Genomenon, Inc
Classification: Pathogenic for Fabry disease. Last evaluated: 2026-09-08. Review status: criteria provided, single submitter. Criteria: Genomenon Sequence Variant Interpretation Standards - Updated. Collection method: curation. Allele origin: germline. Affected: yes.
Comment: GLA p.His46Leu (c.137A>T) is a missense variant that changes the amino acid at codon 46 from Histidine to Leucine. This variant has been observed in at least one proband with clinical features consistent with Fabry disease (PMID:22878505). The variant was found to segregate with disease in at least one affected family (PMID:22878505). At least one functional study has demonstrated a substantial alteration in protein function relative to the wild-type (PMID:27657681). This variant is located in a mutational hotspot and/or important functional domain. It is absent or not present at a significant frequency in gnomAD. In silico models predict that this variant is possibly or probably damaging. In conclusion, we classify GLA p.His46Leu (c.137A>T) as a pathogenic variant.

Eurofins Ntd Llc (ga)
Classification: Pathogenic. Last evaluated: 2013-02-22. Review status: criteria provided, single submitter. Criteria: EGL Classification Definitions 2015. Collection method: clinical testing. Allele origin: germline. Observed: 1 variant allele, 1 hemizygote.

Literature cited by the submitters: PubMed 22878505 (cited by Genomenon, Inc); PubMed 27657681 (cited by Genomenon, Inc).